The following is an entry in ClinVar:

ClinVar aggregate classification (germline): Uncertain significance (1 of 4 stars; one submission).

Conditions:
Hereditary cancer-predisposing syndrome. Also called: Hereditary neoplastic syndrome; Tumor predisposition; Hereditary Cancer Syndrome; Neoplastic Syndromes, Hereditary. Identifiers: Orphanet 140162, MedGen C0027672, MeSH D009386, MONDO:0015356.

Submission:

Ambry Genetics
Classification: Uncertain significance for Hereditary cancer-predisposing syndrome. Last evaluated: 2023-06-28. Review status: criteria provided, single submitter. Criteria: Ambry Variant Classification Scheme 2023. Collection method: clinical testing. Allele origin: germline.
Comment: The c.1651_1652dupCT variant, located in coding exon 14 of the FANCC gene, results from a duplication of two nucleotides (CT) at position 1651, causing a translational frameshift with a predicted alternate stop codon (p.K552Lfs*31). This alteration occurs at the 3' terminus of the FANCC gene, is not expected to trigger nonsense-mediated mRNA decay and results in the elongation of the protein by 23 amino acids. This frameshift only impacts the last 7 amino acids (~1.25%) of the native protein. However, frameshifts are typically deleterious in nature and the impacted region is critical for protein function (Ambry internal data). Since supporting evidence is limited at this time, the clinical significance of this alteration remains unclear.

NM_000136.3(FANCC):c.1651_1652dup (p.Lys552fs)

Genes: FANCC (FA complementation group C; minus strand), AOPEP (aminopeptidase O (putative); plus strand). Cytogenetic location: 9q22.32.
Variant type: Duplication.
Coding change: c.1651_1652dup on transcript NM_000136.3 (MANE Select); coding-DNA positions 1651 to 1652, 2 bases duplicated (CT; older notation c.1651_1652dupCT).
Protein change: p.Lys552fs; shifts the reading frame from lysine 552.
Molecular consequence: frameshift variant.
Genome position (GRCh38, 1-based): chr9:95,101,732-95,101,733, AG duplicated on the plus strand (CT on the coding strand, the reverse complement: FANCC is on the minus strand). VCF-style (leftmost placement, unchanged base first): chr9-95101731-A-AAG. GRCh37 (hg19) VCF-style: chr9-97864013-A-AAG.
Other names: c.1651_1652dup, p.Lys552fs (NM_001243743.2); c.1651_1652dupCT (NM_000136.2); short protein forms K552fs.
Identifiers: ClinVar variation 2585970 (VCV002585970.2), dbSNP rs2540749312, ClinGen allele CA2582342008.